The following is an entry in ClinVar:

ClinVar aggregate classification (germline): Uncertain significance. Review status: criteria provided, multiple submitters, no conflicts (2 of 4 stars). 2 submissions from 2 submitters: Uncertain significance (2). Last evaluated 2025-02-16.

Conditions:
Pancreatic adenocarcinoma. Identifiers: MedGen C0281361, MONDO:0006047, HP:0006725.

gnomAD v4.1: 6 of 1,457,090 alleles (0.00041%); highest among the groups gnomAD compares: East Asian, 0.0029%; no homozygotes.

Submissions (2):

Ambry Genetics
Classification: Uncertain significance. Last evaluated: 2025-02-16. Review status: criteria provided, single submitter. Criteria: Ambry Variant Classification Scheme 2023. Collection method: clinical testing. Allele origin: germline.
Comment: The p.G74S variant (also known as c.220G>A), located in coding exon 1 of the PALLD gene, results from a G to A substitution at nucleotide position 220. The glycine at codon 74 is replaced by serine, an amino acid with similar properties. This amino acid position is conserved. In addition, this alteration is predicted to be tolerated by in silico analysis. Based on the available evidence, the clinical significance of this variant remains unclear.

Labcorp Genetics (formerly Invitae), Labcorp
Classification: Uncertain significance for Pancreatic adenocarcinoma. Last evaluated: 2023-05-17. Review status: criteria provided, single submitter. Criteria: Invitae Variant Classification Sherloc (09022015). Collection method: clinical testing. Allele origin: germline.
Comment: This variant is not present in population databases (gnomAD no frequency). This sequence change replaces glycine, which is neutral and non-polar, with serine, which is neutral and polar, at codon 74 of the PALLD protein (p.Gly74Ser). This variant has not been reported in the literature in individuals affected with PALLD-related conditions. In summary, the available evidence is currently insufficient to determine the role of this variant in disease. Therefore, it has been classified as a Variant of Uncertain Significance. An algorithm developed to predict the effect of missense changes on protein structure and function (PolyPhen-2) suggests that this variant is likely to be tolerated.

NM_001166108.2(PALLD):c.1965-12811G>A

Gene: PALLD (palladin, cytoskeletal associated protein; plus strand). Cytogenetic location: 4q32.3.
Variant type: single nucleotide variant.
Coding change: c.1965-12811G>A on transcript NM_001166108.2 (MANE Select); 12811 bases into the intron before coding-DNA position 1965, G replaced by A.
Molecular consequence: intron variant. On other transcripts: missense variant (1).
Genome position (GRCh38, 1-based): chr4:168,878,111, G>A. VCF-style: chr4-168878111-G-A. GRCh37 (hg19) VCF-style: chr4-169799262-G-A.
Other names: c.220G>A (NM_001166110.1); c.220G>A, p.Gly74Ser (NM_001166110.2); c.1965-12811G>A (NM_016081.4); c.819-12811G>A (NM_001166109.2); c.-157-12811G>A (NM_001367570.1, NM_001367568.1, NM_001367567.1 and 1 more transcripts); short protein forms G74S.
Identifiers: ClinVar variation 3018944 (VCV003018944.4), dbSNP rs2151117518, ClinGen allele CA358795610.